The following is an entry in ClinVar:

NM_201525.4(ADGRG1):c.113G>A (p.Arg38Gln)

Gene: ADGRG1 (adhesion G protein-coupled receptor G1; plus strand). Cytogenetic location: 16q21.
Variant type: single nucleotide variant.
Coding change: c.113G>A on transcript NM_201525.4 (MANE Select); coding-DNA position 113, G replaced by A.
Protein change: p.Arg38Gln; replaces arginine 38 with glutamine.
Molecular consequence: missense variant. On other transcripts: 5 prime UTR variant (5), intron variant (2).
Genome position (GRCh38, 1-based): chr16:57,651,248, G>A. VCF-style: chr16-57651248-G-A. GRCh37 (hg19) VCF-style: chr16-57685160-G-A.
Other names: c.113G>A, p.Arg38Gln (NM_001145770.3, NM_001145771.3, NM_001145772.3 and 16 more transcripts); c.128G>A, p.Arg43Gln (NM_001145773.3, NM_001370433.1); c.-413G>A (NM_001290143.2, NM_001290144.2, NM_001370451.1 and 2 more transcripts); c.110+3G>A (NM_001290142.2); c.65-108G>A (NM_001370442.1); short protein forms R38Q, R43Q.
Identifiers: ClinVar variation 862927 (VCV000862927.11), dbSNP rs764367185, ClinGen allele CA8078291.
Genomic context (GRCh38, chr16:57,651,248, plus strand): 5'-CTGCCTCCTCAGGTGCCCACGGCAGGGGCCACAGGGAAGACTTTCGCTTCTGCAGCCAGC[G>A]GAACCAGACACACAGGAGCAGCCTCCACTACAAACCCACACCAGACCTGCGCATCTCCAT-3'
Protein context (NP_958933.1, residues 28-48): HREDFRFCSQ[Arg38Gln]NQTHRSSLHY

ClinVar aggregate classification (germline): Pathogenic/Likely pathogenic. Review status: criteria provided, multiple submitters, no conflicts (2 of 4 stars). 2 submissions from 2 submitters: Pathogenic (1); Likely pathogenic (1). Last evaluated 2025-05-02.

Conditions:
Bilateral frontoparietal polymicrogyria. Also called: CEREBELLAR ATAXIA WITH NEURONAL MIGRATION DEFECT; CORTICAL DYSPLASIA, COMPLEX, WITH OTHER BRAIN MALFORMATIONS 14A (BILATERAL FRONTOPARIETAL). Identifiers: Orphanet 101070, MedGen C1847352, MONDO:0011738, OMIM 606854.

Allele frequency attached by ClinVar (database versions not stated): gnomAD 0.00001; TOPMed 0.00002; gnomAD exomes below 0.00001; ExAC 0.00001.
gnomAD v4.1: 7 of 1,613,976 alleles (0.00043%); highest among the groups gnomAD compares: Middle Eastern, 0.016%; no homozygotes.

Submissions (2):

Natera, Inc.
Classification: Likely pathogenic for Bilateral frontoparietal polymicrogyria. Last evaluated: 2025-05-02. Review status: criteria provided, single submitter. Criteria: Natera Variant Classification Schema (03/2026). Collection method: clinical testing. Allele origin: germline.
Comment: The c.113G>A variant in ADGRG1 is a missense variant predicted to cause substitution of arginine to glutamine at amino acid 38. This variant is rare in the general population with a frequency below the threshold expected for the associated phenotype(s). This variant has been observed in one or more individuals affected with the associated recessive disease, as either homozygous or compound heterozygous with a second variant (PMID: 16240336, 25922261). Functional studies show that this variant may disrupt protein function (PMID: 17576745, 22238662). Computational prediction algorithms indicate this variant is likely to affect gene or protein function. Given the available evidence, this variant is classified as Likely Pathogenic.

Labcorp Genetics (formerly Invitae), Labcorp
Classification: Pathogenic. Last evaluated: 2023-09-21. Review status: criteria provided, single submitter. Criteria: Invitae Variant Classification Sherloc (09022015). Collection method: clinical testing. Allele origin: germline.
Comment: ClinVar contains an entry for this variant (Variation ID: 862927). Experimental studies have shown that this missense change affects ADGRG1 function (PMID: 17576745, 22238662). Advanced modeling of protein sequence and biophysical properties (such as structural, functional, and spatial information, amino acid conservation, physicochemical variation, residue mobility, and thermodynamic stability) performed at Invitae indicates that this missense variant is expected to disrupt ADGRG1 protein function. This missense change has been observed in individuals with polymicrogyria (PMID: 16240336, 23981349, 25922261). This variant is present in population databases (rs764367185, gnomAD 0.003%). This sequence change replaces arginine, which is basic and polar, with glutamine, which is neutral and polar, at codon 38 of the ADGRG1 protein (p.Arg38Gln). For these reasons, this variant has been classified as Pathogenic. This variant disrupts the p.Arg38 amino acid residue in ADGRG1. Other variant(s) that disrupt this residue have been observed in individuals with ADGRG1-related conditions (PMID: 15044805, 16240336), which suggests that this may be a clinically significant amino acid residue.

Literature cited by the submitters: PubMed 16240336 (cited by Natera, Inc. and Labcorp Genetics (formerly Invitae), Labcorp); PubMed 25922261 (cited by Natera, Inc. and Labcorp Genetics (formerly Invitae), Labcorp); PubMed 17576745 (cited by Natera, Inc. and Labcorp Genetics (formerly Invitae), Labcorp); PubMed 22238662 (cited by Natera, Inc. and Labcorp Genetics (formerly Invitae), Labcorp); PubMed 23981349 (cited by Labcorp Genetics (formerly Invitae), Labcorp); PubMed 15044805 (cited by Labcorp Genetics (formerly Invitae), Labcorp).